The following is an entry in ClinVar:

ClinVar aggregate classification (germline): Likely benign (1 of 4 stars; one submission).

Allele frequency attached by ClinVar (database versions not stated): TOPMed 0.00004; ESP Exome Variant Server 0.00008; gnomAD exomes 0.00021; ExAC 0.00047; 1000 Genomes Project 30x 0.00250; 1000 Genomes Project 0.00260.
gnomAD v4.1: 336 of 1,613,960 alleles (0.021%); highest among the groups gnomAD compares: South Asian, 0.32%; 2 homozygotes.

Submission:

CeGaT Center for Human Genetics Tuebingen
Classification: Likely benign. Last evaluated: 2023-03-01. Review status: criteria provided, single submitter. Criteria: CeGaT Center For Human Genetics Tuebingen Variant Classification Criteria Version 2. Collection method: clinical testing. Allele origin: germline. Affected: yes. Observed: 1 variant allele.
Comment: DNAH3: BP4, BP7

NM_001347886.2(DNAH3):c.10065C>T (p.Ile3355=)

Gene: DNAH3 (dynein axonemal heavy chain 3; minus strand). Cytogenetic location: 16p12.3.
Variant type: single nucleotide variant.
Coding change: c.10065C>T on transcript NM_001347886.2 (MANE Select); coding-DNA position 10065, C replaced by T.
Protein change: p.Ile3355=; no amino-acid change (isoleucine 3355 retained).
Molecular consequence: synonymous variant.
Genome position (GRCh38, 1-based): chr16:20,963,681, G>A on the plus strand (C>T on the coding strand, the complement: DNAH3 is on the minus strand). VCF-style: chr16-20963681-G-A. GRCh37 (hg19) VCF-style: chr16-20975003-G-A.
Other names: c.10203C>T, p.Ile3401= (NM_017539.2).
Identifiers: ClinVar variation 2646289 (VCV002646289.24), dbSNP rs147185575, ClinGen allele CA7946111.